The following is an entry in ClinVar:

NM_032119.4(ADGRV1):c.13287T>C (p.Tyr4429=)

Gene: ADGRV1 (adhesion G protein-coupled receptor V1; plus strand). Cytogenetic location: 5q14.3.
Variant type: single nucleotide variant.
Coding change: c.13287T>C on transcript NM_032119.4 (MANE Select); coding-DNA position 13287, T replaced by C.
Protein change: p.Tyr4429=; no amino-acid change (tyrosine 4429 retained).
Molecular consequence: synonymous variant. On other transcripts: non-coding transcript variant (1).
Genome position (GRCh38, 1-based): chr5:90,783,179, T>C. VCF-style: chr5-90783179-T-C. GRCh37 (hg19) VCF-style: chr5-90078996-T-C.
Identifiers: ClinVar variation 750617 (VCV000750617.20), dbSNP rs372799791, ClinGen allele CA3341494.

ClinVar aggregate classification (germline): Benign/Likely benign. Review status: criteria provided, multiple submitters, no conflicts (2 of 4 stars). 5 submissions from 5 submitters: Benign (1); Likely benign (4). Last evaluated 2025-11-04.

Conditions:
ADGRV1-related disorder. Also called: ADGRV1-related condition; ADGRV1-related disorders.

Allele frequency attached by ClinVar (database versions not stated): gnomAD 0.00003 and 0.00010; TOPMed 0.00007; ESP Exome Variant Server 0.00016; gnomAD exomes 0.00022 and 0.00040; 1000 Genomes Project 30x 0.00031; 1000 Genomes Project 0.00040; ExAC 0.00051.
gnomAD v4.1: 342 of 1,613,678 alleles (0.021%); highest among the groups gnomAD compares: South Asian, 0.22%; 4 homozygotes.

Submissions (5):

Labcorp Genetics (formerly Invitae), Labcorp
Classification: Benign. Last evaluated: 2025-11-04. Review status: criteria provided, single submitter. Criteria: Invitae Variant Classification Sherloc (09022015). Collection method: clinical testing. Allele origin: germline.

PreventionGenetics, part of Exact Sciences
Classification: Likely benign for ADGRV1-related condition. Last evaluated: 2025-04-25. Review status: criteria provided, single submitter. Criteria: ACMG Guidelines, 2015. Collection method: clinical testing. Allele origin: germline.
Comment: This variant is classified as likely benign based on ACMG/AMP sequence variant interpretation guidelines (Richards et al. 2015 PMID: 25741868, with internal and published modifications).

Blueprint Genetics
Classification: Likely benign. Last evaluated: 2024-11-23. Review status: criteria provided, single submitter. Criteria: ACMG Guidelines, 2015. Collection method: clinical testing. Allele origin: germline.

GeneDx
Classification: Likely benign. Last evaluated: 2020-07-28. Review status: criteria provided, single submitter. Criteria: GeneDx Variant Classification Process June 2021. Collection method: clinical testing. Allele origin: germline. Affected: yes.

Laboratory for Molecular Medicine, Mass General Brigham Personalized Medicine
Classification: Likely benign. Last evaluated: 2012-04-30. Review status: criteria provided, single submitter. Criteria: LMM Criteria. Collection method: clinical testing. Allele origin: germline. Observed: 1 variant allele.
Comment: Tyr4429Tyr in Exon 66 of GPR98: This variant is not expected to have clinical significance because it does not alter an amino acid residue, is not located within the splice consensus sequence, and has been identified in 2/6810 European American chromosomes from a broad population by the NHLBI Exome Sequencing Project.